The following is an entry in ClinVar:

ClinVar aggregate classification (germline): Uncertain significance (1 of 4 stars; one submission).

Submission:

Labcorp Genetics (formerly Invitae), Labcorp
Classification: Uncertain significance. Last evaluated: 2021-08-31. Review status: criteria provided, single submitter. Criteria: Invitae Variant Classification Sherloc (09022015). Collection method: clinical testing. Allele origin: germline.
Comment: This sequence change falls in intron 7 of the SLC9A3 gene. It does not directly change the encoded amino acid sequence of the SLC9A3 protein. It affects a nucleotide within the consensus splice site of the intron. This variant is not present in population databases (ExAC no frequency). This variant has not been reported in the literature in individuals with SLC9A3-related conditions. Nucleotide substitutions within the consensus splice site are a relatively common cause of aberrant splicing (PMID: 17576681, 9536098). Algorithms developed to predict the effect of sequence changes on RNA splicing suggest that this variant is not likely to affect RNA splicing, but this prediction has not been confirmed by published transcriptional studies. In summary, the available evidence is currently insufficient to determine the role of this variant in disease. Therefore, it has been classified as a Variant of Uncertain Significance.

Literature cited by the submitters: PubMed 17576681; PubMed 9536098.

NM_004174.4(SLC9A3):c.1357-3C>T

Gene: SLC9A3 (solute carrier family 9 member A3). Cytogenetic location: 5p15.33.
Variant type: single nucleotide variant.
Coding change: c.1357-3C>T on transcript NM_004174.4 (MANE Select); 3 bases into the intron before coding-DNA position 1357, C replaced by T.
Molecular consequence: intron variant.
Genome position (GRCh38, 1-based): chr5:482,160, G>A on the plus strand (C>T on the coding strand, the complement: SLC9A3 is on the minus strand). VCF-style: chr5-482160-G-A. GRCh37 (hg19) VCF-style: chr5-482275-G-A.
Other names: c.1357-30C>T (NM_001284351.3).
Identifiers: ClinVar variation 1497254 (VCV001497254.5), dbSNP rs1739232223, ClinGen allele CA1522110534.